The following is an entry in ClinVar:

ClinVar aggregate classification (germline): Uncertain significance (1 of 4 stars; one submission).

Conditions:
Central core myopathy (CMYO1A). Also called: CONGENITAL MYOPATHY 1A, AUTOSOMAL DOMINANT, WITH SUSCEPTIBILITY TO MALIGNANT HYPERTHERMIA; Central core disease; Myopathy, central fibrillar. Identifiers: Orphanet 597, MedGen C5830701, MONDO:0007294, OMIM 117000.

Submission:

3billion
Classification: Uncertain significance for Central core myopathy. Last evaluated: 2025-11-20. Review status: criteria provided, single submitter. Criteria: ACMG Guidelines, 2015. Collection method: clinical testing. Allele origin: germline. Affected: yes.
Comment: The variant is not observed in the gnomAD v4.1.0 dataset. Predicted Consequence/Location: Missense variant. Missense changes are a common disease-causing mechanism. In silico tool predictions suggest damaging effect of the variant on gene or gene product [REVEL: 0.84 (>=0.6, sensitivity 0.68 and specificity 0.92); 3Cnet: 0.93 (> 0.75, sensitivity 0.96 and precision 0.92)]. Different missense changes at the same codon (p.Arg177Cys, p.Arg177His) have been reported as pathogenic/likely pathogenic with strong evidence (ClinVar ID: VCV000133147, VCV002724850 /PMID: 16163667 /3billion dataset). Therefore, this variant is classified as VUS according to the recommendation of ACMG/AMP guideline.

Literature cited by the submitters: PubMed 16163667.

NM_000540.3(RYR1):c.529C>G (p.Arg177Gly)

Gene: RYR1 (ryanodine receptor 1; plus strand). Cytogenetic location: 19q13.2.
Variant type: single nucleotide variant.
Coding change: c.529C>G on transcript NM_000540.3 (MANE Select); coding-DNA position 529, C replaced by G.
Protein change: p.Arg177Gly; replaces arginine 177 with glycine.
Molecular consequence: missense variant.
Genome position (GRCh38, 1-based): chr19:38,444,253, C>G. VCF-style: chr19-38444253-C-G. GRCh37 (hg19) VCF-style: chr19-38934893-C-G.
Other names: c.529C>G, p.Arg177Gly (NM_001042723.2); short protein forms R177G.
Identifiers: ClinVar variation 4853876 (VCV004853876.1).